The following is an entry in ClinVar:

NM_000489.6(ATRX):c.902A>G (p.Asp301Gly)

Gene: ATRX (ATRX chromatin remodeler; minus strand). Cytogenetic location: Xq21.1.
Variant type: single nucleotide variant.
Coding change: c.902A>G on transcript NM_000489.6 (MANE Select); coding-DNA position 902, A replaced by G.
Protein change: p.Asp301Gly; replaces aspartic acid 301 with glycine.
Molecular consequence: missense variant.
Genome position (GRCh38, 1-based): chrX:77,684,354, T>C on the plus strand (A>G on the coding strand, the complement: ATRX is on the minus strand). VCF-style: chrX-77684354-T-C. GRCh37 (hg19) VCF-style: chrX-76939846-T-C.
Other names: c.788A>G, p.Asp263Gly (NM_138270.5); short protein forms D263G, D301G.
Identifiers: ClinVar variation 2090106 (VCV002090106.4), dbSNP rs2148635109, ClinGen allele CA413720341.
Genomic context (GRCh38, chrX:77,684,354, plus strand): 5'-CTAGTCTTCTTTGGAGAAAATCTGGATGTATGTTCATATACTTTATTACTCTTTTCACTG[T>C]CAACTTTTATCTTCTTCTTATTTTGCTGCAACAACTGTTCTAAATTCTCAAATACGCTGT-3'
Protein context (NP_000480.3, residues 291-311): LQQNKKKIKV[Asp301Gly]SEKSNKVYEH

ClinVar aggregate classification (germline): Uncertain significance (1 of 4 stars; one submission).

Conditions:
Alpha thalassemia-X-linked intellectual disability syndrome (ATRX). Also called: ALPHA-THALASSEMIA/MENTAL RETARDATION SYNDROME, X-LINKED; ATR, NONDELETION TYPE; ATR-X syndrome; Alpha thalassemia mental retardation syndrome, nondeletion type, X-linked; XLMR hypotonic face syndrome; X-linked alpha-thalassemia-mental retardation syndrome. Identifiers: Orphanet 847, MedGen C1845055, MONDO:0010519, OMIM 301040.

gnomAD v4.1: 1 of 1,209,641 alleles (0.000083%); highest among the groups gnomAD compares: Non-Finnish European, 0.00011%; no homozygotes.

Submission:

Labcorp Genetics (formerly Invitae), Labcorp
Classification: Uncertain significance for Alpha thalassemia-X-linked intellectual disability syndrome. Last evaluated: 2024-10-24. Review status: criteria provided, single submitter. Criteria: Invitae Variant Classification Sherloc (09022015). Collection method: clinical testing. Allele origin: germline.
Comment: This sequence change replaces aspartic acid, which is acidic and polar, with glycine, which is neutral and non-polar, at codon 301 of the ATRX protein (p.Asp301Gly). This variant is not present in population databases (gnomAD no frequency). This variant has not been reported in the literature in individuals affected with ATRX-related conditions. ClinVar contains an entry for this variant (Variation ID: 2090106). Invitae Evidence Modeling of protein sequence and biophysical properties (such as structural, functional, and spatial information, amino acid conservation, physicochemical variation, residue mobility, and thermodynamic stability) has been performed for this missense variant. However, the output from this modeling did not meet the statistical confidence thresholds required to predict the impact of this variant on ATRX protein function. In summary, the available evidence is currently insufficient to determine the role of this variant in disease. Therefore, it has been classified as a Variant of Uncertain Significance.